The following is an entry in ClinVar:

NM_006885.4(ZFHX3):c.8455T>C (p.Ser2819Pro)

Genes: ZFHX3 (zinc finger homeobox 3; minus strand), ZFHX3-AS1 (ZFHX3 antisense RNA 1; plus strand). Cytogenetic location: 16q22.2.
Variant type: single nucleotide variant.
Coding change: c.8455T>C on transcript NM_006885.4 (MANE Select); coding-DNA position 8455, T replaced by C.
Protein change: p.Ser2819Pro; replaces serine 2819 with proline.
Molecular consequence: missense variant.
Genome position (GRCh38, 1-based): chr16:72,794,227, A>G on the plus strand (T>C on the coding strand, the complement: ZFHX3 is on the minus strand). VCF-style: chr16-72794227-A-G. GRCh37 (hg19) VCF-style: chr16-72828126-A-G.
Other names: c.5713T>C, p.Ser1905Pro (NM_001164766.2); c.8455T>C, p.Ser2819Pro (NM_001386735.1); short protein forms S1905P, S2819P.
Identifiers: ClinVar variation 3899129 (VCV003899129.2).

ClinVar aggregate classification (germline): Uncertain significance (1 of 4 stars; one submission).

Submission:

GeneDx
Classification: Uncertain significance. Last evaluated: 2026-08-24. Review status: criteria provided, single submitter. Criteria: GeneDx Variant Classification Process June 2021. Collection method: clinical testing. Allele origin: germline.
Comment: Not observed at significant frequency in large population cohorts (gnomAD); In silico analysis suggests that this missense variant does not alter protein structure/function; Has not been previously published as pathogenic or benign to our knowledge